The following is an entry in ClinVar:

NM_002528.7(NTHL1):c.604G>A (p.Glu202Lys)

Gene: NTHL1 (nth like DNA glycosylase 1; minus strand). Cytogenetic location: 16p13.3.
Variant type: single nucleotide variant.
Coding change: c.604G>A on transcript NM_002528.7 (MANE Select); coding-DNA position 604, G replaced by A.
Protein change: p.Glu202Lys; replaces glutamic acid 202 with lysine.
Molecular consequence: missense variant.
Genome position (GRCh38, 1-based): chr16:2,043,648, C>T on the plus strand (G>A on the coding strand, the complement: NTHL1 is on the minus strand). VCF-style: chr16-2043648-C-T. GRCh37 (hg19) VCF-style: chr16-2093649-C-T.
Other names: c.433G>A, p.Glu145Lys (NM_001318193.2); c.274G>A, p.Glu92Lys (NM_001318194.2); c.604G>A, p.Glu202Lys (LRG_1366t1); short protein forms E145K, E202K, E92K.
Identifiers: ClinVar variation 641752 (VCV000641752.18), dbSNP rs919177150, ClinGen allele CA276763894.

ClinVar aggregate classification (germline): Uncertain significance. Review status: criteria provided, multiple submitters, no conflicts (2 of 4 stars). 7 submissions from 7 submitters: Uncertain significance (7). Last evaluated 2025-09-28.

Conditions:
Hereditary cancer-predisposing syndrome. Also called: Neoplastic Syndromes, Hereditary; Hereditary Cancer Syndrome; Tumor predisposition; Hereditary neoplastic syndrome. Identifiers: Orphanet 140162, MedGen C0027672, MeSH D009386, MONDO:0015356.
Familial adenomatous polyposis 3. Also called: NTHL1-associated polyposis; NTHL1-related attenuated familial adenomatous polyposis; NTHL1-Related Adenomatous Polyposis and Colorectal Cancer; NTHL1 Tumor Syndrome. Identifiers: Orphanet 220460, Orphanet 454840, MedGen C4225157, MONDO:0014630, OMIM 616415.

Submissions (7):

Labcorp Genetics (formerly Invitae), Labcorp
Classification: Uncertain significance. Last evaluated: 2025-09-28. Review status: criteria provided, single submitter. Criteria: Invitae Variant Classification Sherloc (09022015). Collection method: clinical testing. Allele origin: germline.
Comment: This sequence change replaces glutamic acid, which is acidic and polar, with lysine, which is basic and polar, at codon 210 of the NTHL1 protein (p.Glu210Lys). This variant is not present in population databases (gnomAD no frequency). This variant has not been reported in the literature in individuals affected with NTHL1-related conditions. ClinVar contains an entry for this variant (Variation ID: 641752). An algorithm developed to predict the effect of missense changes on protein structure and function (PolyPhen-2) suggests that this variant is likely to be tolerated. In summary, the available evidence is currently insufficient to determine the role of this variant in disease. Therefore, it has been classified as a Variant of Uncertain Significance.

Center for Genomic Medicine, Rigshospitalet, Copenhagen University Hospital
Classification: Uncertain significance. Last evaluated: 2025-03-04. Review status: criteria provided, single submitter. Criteria: ACMG Guidelines, 2015. Collection method: clinical testing. Allele origin: germline.

Ambry Genetics
Classification: Uncertain significance for Hereditary cancer-predisposing syndrome. Last evaluated: 2024-11-25. Review status: criteria provided, single submitter. Criteria: Ambry Variant Classification Scheme 2023. Collection method: clinical testing. Allele origin: germline.
Comment: The p.E210K variant (also known as c.628G>A), located in coding exon 4 of the NTHL1 gene, results from a G to A substitution at nucleotide position 628. The glutamic acid at codon 210 is replaced by lysine, an amino acid with similar properties. This amino acid position is not well conserved in available vertebrate species. In addition, this alteration is predicted to be tolerated by in silico analysis. Since supporting evidence is limited at this time, the clinical significance of this alteration remains unclear.

Molecular Pathology, Peter Maccallum Cancer Centre
Classification: Uncertain significance for Familial adenomatous polyposis 3. Last evaluated: 2024-09-02. Review status: criteria provided, single submitter. Criteria: ACMG Guidelines, 2015. Collection method: clinical testing. Allele origin: germline. Inheritance: Autosomal recessive inheritance.

Laboratorio de Genetica e Diagnostico Molecular, Hospital Israelita Albert Einstein
Classification: Uncertain significance for Familial adenomatous polyposis 3. Last evaluated: 2023-11-10. Review status: criteria provided, single submitter. Criteria: ACMG Guidelines, 2015. Collection method: clinical testing. Allele origin: germline. Affected: yes.
Comment: ACMG classification criteria: PM2 supporting, BP4 supporting

Baylor Genetics
Classification: Uncertain significance for Familial adenomatous polyposis 3. Last evaluated: 2023-10-22. Review status: criteria provided, single submitter. Criteria: ACMG Guidelines, 2015. Collection method: clinical testing. Allele origin: unknown.

Sema4
Classification: Uncertain significance for Hereditary cancer-predisposing syndrome. Last evaluated: 2022-03-16. Review status: criteria provided, single submitter. Criteria: Sema4 Curation Guidelines. Collection method: curation. Allele origin: germline.
Comment: The NTHL1 c.628G>A (p.E210K) variant has not been reported in the literature to our knowledge. It was not observed in the large and broad cohorts of the Genome Aggregation Database (PMID: 32461654). The variant has been reported in ClinVar (Variation ID 641752). Functional studies have not been performed, and in silico predictions of the variant's effect on protein function are inconclusive. The evidence is insufficient to meet ACMG/AMP criteria for classifying the variant as benign or pathogenic. Thus, the clinical significance of this variant is currently uncertain.